The following is an entry in ClinVar:

ClinVar aggregate classification (germline): Pathogenic. Review status: criteria provided, multiple submitters, no conflicts (2 of 4 stars). 2 submissions from 2 submitters: Pathogenic (2). Last evaluated 2024-08-02.

Submissions (2):

Labcorp Genetics (formerly Invitae), Labcorp
Classification: Pathogenic. Last evaluated: 2024-08-02. Review status: criteria provided, single submitter. Criteria: Invitae Variant Classification Sherloc (09022015). Collection method: clinical testing. Allele origin: germline.
Comment: This sequence change affects an acceptor splice site in intron 3 of the NOTCH3 gene. RNA analysis indicates that disruption of this splice site induces altered splicing and likely results in the loss of 7 amino acid residue(s), but is expected to preserve the integrity of the reading-frame. This variant is not present in population databases (gnomAD no frequency). Disruption of this splice site has been observed in individuals with CADASIL (PMID: 7783868, 10802807, 25982499; Invitae). It has also been observed to segregate with disease in related individuals. ClinVar contains an entry for this variant (Variation ID: 995318). Studies have shown that disruption of this splice site results in the activation of a cryptic splice site in exon 4 (PMID: 10802807). For these reasons, this variant has been classified as Pathogenic.

Athena Diagnostics
Classification: Pathogenic. Last evaluated: 2020-04-27. Review status: criteria provided, single submitter. Criteria: Athena Diagnostics Criteria. Collection method: clinical testing. Allele origin: unknown.
Comment: The variant disrupts a cysteine residue in an EGF-like repeat domain, which is important for the structure of this protein. Found in at least one patient with expected phenotype for this gene, and not found in general population data.

Literature cited by the submitters: PubMed 7783868 (cited by Labcorp Genetics (formerly Invitae), Labcorp); PubMed 10802807 (cited by Labcorp Genetics (formerly Invitae), Labcorp and Athena Diagnostics); PubMed 25982499 (cited by Labcorp Genetics (formerly Invitae), Labcorp and Athena Diagnostics).

NM_000435.3(NOTCH3):c.341-2A>G

Gene: NOTCH3 (notch receptor 3; minus strand). Cytogenetic location: 19p13.12.
Variant type: single nucleotide variant.
Coding change: c.341-2A>G on transcript NM_000435.3 (MANE Select); the canonical splice acceptor site of the intron before coding-DNA position 341, A replaced by G.
Molecular consequence: splice acceptor variant.
Genome position (GRCh38, 1-based): chr19:15,192,300, T>C on the plus strand (A>G on the coding strand, the complement: NOTCH3 is on the minus strand). VCF-style: chr19-15192300-T-C. GRCh37 (hg19) VCF-style: chr19-15303111-T-C.
Identifiers: ClinVar variation 995318 (VCV000995318.9), dbSNP rs2046935672, ClinGen allele CA404534603.